The following is an entry in ClinVar:

NM_182914.3(SYNE2):c.8167_8172del (p.Ala2723_Glu2724del)

Gene: SYNE2 (spectrin repeat containing nuclear envelope protein 2; plus strand). Cytogenetic location: 14q23.2.
Variant type: Deletion.
Coding change: c.8167_8172del on transcript NM_182914.3 (MANE Select); coding-DNA positions 8167 to 8172, 6 bases deleted (GCAGAA; older notation c.8167_8172delGCAGAA).
Protein change: p.Ala2723_Glu2724del.
Molecular consequence: inframe deletion.
Genome position (GRCh38, 1-based): chr14:64,052,080-64,052,085, GCAGAA deleted; deleting any 6 consecutive bases within chr14:64,052,076-64,052,085 gives the same sequence; the c. name uses the placement nearest the transcript's 3' end. VCF-style (leftmost placement, unchanged base first): chr14-64052075-TAGAAGC-T. GRCh37 (hg19) VCF-style: chr14-64518793-TAGAAGC-T.
Other names: c.8167_8172del, p.Ala2723_Glu2724del (NM_015180.6).
Identifiers: ClinVar variation 2193349 (VCV002193349.4), dbSNP rs2548319979, ClinGen allele CA2580088318.

ClinVar aggregate classification (germline): Uncertain significance (1 of 4 stars; one submission).

Conditions:
Emery-Dreifuss muscular dystrophy 5, autosomal dominant (EDMD5). Also called: EMERY-DREIFUSS MUSCULAR DYSTROPHY 5. Identifiers: Orphanet 261, MedGen C2751805, MONDO:0013072, OMIM 612999.

Submission:

Labcorp Genetics (formerly Invitae), Labcorp
Classification: Uncertain significance for Emery-Dreifuss muscular dystrophy 5, autosomal dominant. Last evaluated: 2021-12-15. Review status: criteria provided, single submitter. Criteria: Invitae Variant Classification Sherloc (09022015). Collection method: clinical testing. Allele origin: germline.
Comment: In summary, the available evidence is currently insufficient to determine the role of this variant in disease. Therefore, it has been classified as a Variant of Uncertain Significance. Experimental studies and prediction algorithms are not available or were not evaluated, and the functional significance of this variant is currently unknown. This variant has not been reported in the literature in individuals affected with SYNE2-related conditions. This variant is not present in population databases (gnomAD no frequency). This variant, c.8167_8172del, results in the deletion of 2 amino acid(s) of the SYNE2 protein (p.Ala2723_Glu2724del), but otherwise preserves the integrity of the reading frame.